The following is an entry in ClinVar:

NM_001130438.3(SPTAN1):c.2154G>T (p.Lys718Asn)

Gene: SPTAN1 (spectrin alpha, non-erythrocytic 1; plus strand). Cytogenetic location: 9q34.11.
Variant type: single nucleotide variant.
Coding change: c.2154G>T on transcript NM_001130438.3 (MANE Select); coding-DNA position 2154, G replaced by T.
Protein change: p.Lys718Asn; replaces lysine 718 with asparagine.
Molecular consequence: missense variant.
Genome position (GRCh38, 1-based): chr9:128,583,930, G>T. VCF-style: chr9-128583930-G-T. GRCh37 (hg19) VCF-style: chr9-131346209-G-T.
Other names: c.2154G>T, p.Lys718Asn (NM_001195532.2, NM_001363759.2, NM_001363765.2 and 5 more transcripts); c.2190G>T, p.Lys730Asn (NM_001375312.2, NM_001375318.1); short protein forms K718N, K730N.
Identifiers: ClinVar variation 2825501 (VCV002825501.3), dbSNP rs2541186159, ClinGen allele CA375056485.
Genomic context (GRCh38, chr9:128,583,930, plus strand): 5'-AGGTCACTTGGCTTCGGATGATTACGGCAAAGATCTTACCAATGTGCAGAACCTCCAGAA[G>T]AAACATGCACTGCTAGAGGCAGATGTGGCTGCTCACCAGGTAGTGTGAACTGGGGGCTGT-3'
Protein context (NP_001123910.1, residues 708-728): KDLTNVQNLQ[Lys718Asn]KHALLEADVA

ClinVar aggregate classification (germline): Uncertain significance (1 of 4 stars; one submission).

Conditions:
Early-infantile DEE. Also called: Early infantile epileptic encephalopathy; Early infantile epileptic encephalopathy with suppression bursts; Ohtahara syndrome. Identifiers: Orphanet 1934, MedGen C0393706, MONDO:0800491.

Submission:

Labcorp Genetics (formerly Invitae), Labcorp
Classification: Uncertain significance for Early-infantile DEE. Last evaluated: 2024-08-13. Review status: criteria provided, single submitter. Criteria: Invitae Variant Classification Sherloc (09022015). Collection method: clinical testing. Allele origin: germline.
Comment: This sequence change replaces lysine, which is basic and polar, with asparagine, which is neutral and polar, at codon 718 of the SPTAN1 protein (p.Lys718Asn). This variant is not present in population databases (gnomAD no frequency). This variant has not been reported in the literature in individuals affected with SPTAN1-related conditions. Advanced modeling of protein sequence and biophysical properties (such as structural, functional, and spatial information, amino acid conservation, physicochemical variation, residue mobility, and thermodynamic stability) has been performed at Invitae for this missense variant, however the output from this modeling did not meet the statistical confidence thresholds required to predict the impact of this variant on SPTAN1 protein function. In summary, the available evidence is currently insufficient to determine the role of this variant in disease. Therefore, it has been classified as a Variant of Uncertain Significance.